The following is an entry in ClinVar:

ClinVar aggregate classification (germline): Uncertain significance (1 of 4 stars; one submission).

Conditions:
Cardiovascular phenotype. Identifiers: MedGen CN230736.

Allele frequency attached by ClinVar (database versions not stated): TOPMed below 0.00001; ExAC 0.00001; gnomAD exomes 0.00001.

Submission:

Ambry Genetics
Classification: Uncertain significance for Cardiovascular phenotype. Last evaluated: 2023-08-03. Review status: criteria provided, single submitter. Criteria: Ambry Variant Classification Scheme 2023. Collection method: clinical testing. Allele origin: germline.
Comment: The p.F3749L variant (also known as c.11245T>C), located in coding exon 26 of the APOB gene, results from a T to C substitution at nucleotide position 11245. The phenylalanine at codon 3749 is replaced by leucine, an amino acid with highly similar properties. This amino acid position is conserved. In addition, this alteration is predicted to be tolerated by in silico analysis. Since supporting evidence is limited at this time, the clinical significance of this alteration remains unclear.

NM_000384.3(APOB):c.11245T>C (p.Phe3749Leu)

Gene: APOB (apolipoprotein B; minus strand). Cytogenetic location: 2p24.1.
Variant type: single nucleotide variant.
Coding change: c.11245T>C on transcript NM_000384.3 (MANE Select); coding-DNA position 11245, T replaced by C.
Protein change: p.Phe3749Leu; replaces phenylalanine 3749 with leucine.
Molecular consequence: missense variant.
Genome position (GRCh38, 1-based): chr2:21,005,623, A>G on the plus strand (T>C on the coding strand, the complement: APOB is on the minus strand). VCF-style: chr2-21005623-A-G. GRCh37 (hg19) VCF-style: chr2-21228495-A-G.
Other names: short protein forms F3749L.
Identifiers: ClinVar variation 2586188 (VCV002586188.2), dbSNP rs746366536, ClinGen allele CA045890.